The following is an entry in ClinVar:

NM_000059.4(BRCA2):c.7769C>T (p.Ser2590Phe)

Gene: BRCA2 (BRCA2 DNA repair associated; plus strand). Cytogenetic location: 13q13.1.
Variant type: single nucleotide variant.
Coding change: c.7769C>T on transcript NM_000059.4 (MANE Select); coding-DNA position 7769, C replaced by T.
Protein change: p.Ser2590Phe; replaces serine 2590 with phenylalanine.
Molecular consequence: missense variant.
Genome position (GRCh38, 1-based): chr13:32,357,893, C>T. VCF-style: chr13-32357893-C-T. GRCh37 (hg19) VCF-style: chr13-32932030-C-T.
Other names: c.7673C>T, p.Ser2558Phe (NM_001406719.1); c.7769C>T, p.Ser2590Phe (NM_001406720.1); c.2837C>T, p.Ser946Phe (NM_001406721.1); c.1352C>T, p.Ser451Phe (NM_001406722.1); short protein forms S946F, S2558F, S2590F, S451F.
Identifiers: ClinVar variation 2026523 (VCV002026523.5), dbSNP rs786202615, ClinGen allele CA387745900.
Genomic context (GRCh38, chr13:32,357,893, plus strand): 5'-AGGAAAGTTTATGGACTGGAAAAGGAATACAGTTGGCTGATGGTGGATGGCTCATACCCT[C>T]CAATGATGGAAAGGCTGGAAAAGAAGAATTTTATAGGTACTCTATGCAAAAAGATTGTGT-3'
Protein context (NP_000050.3, residues 2580-2600): QLADGGWLIP[Ser2590Phe]NDGKAGKEEF

ClinVar aggregate classification (germline): Uncertain significance. Review status: criteria provided, single submitter (1 of 4 stars). 2 submissions from 2 submitters: Uncertain significance (1). 1 of the submissions does not count toward it. Last evaluated 2022-08-23.

Conditions:
Breast-ovarian cancer, familial, susceptibility to, 2 (BROVCA2). Also called: BRCA2 Hereditary Breast and Ovarian Cancer. Identifiers: Orphanet 145, MedGen C2675520, MONDO:0012933, OMIM 612555. Disease mechanism: loss of function.
Hereditary breast ovarian cancer syndrome. Also called: Hereditary breast and ovarian cancer; Hereditary breast and ovarian cancer syndrome (HBOC); BRCA1- and BRCA2-Associated Hereditary Breast and Ovarian Cancer; Breast and ovarian cancer; Hereditary breast and ovarian cancer syndrome; Hereditary breast and/or ovarian cancer syndrome. Identifiers: Orphanet 145, MedGen C0677776, MeSH D061325, MONDO:0003582. Disease mechanism: loss of function.

Submissions (2):

Labcorp Genetics (formerly Invitae), Labcorp
Classification: Uncertain significance for Hereditary breast ovarian cancer syndrome. Last evaluated: 2022-08-23. Review status: criteria provided, single submitter. Criteria: Invitae Variant Classification Sherloc (09022015). Collection method: clinical testing. Allele origin: germline.
Comment: This variant is not present in population databases (gnomAD no frequency). This sequence change replaces serine, which is neutral and polar, with phenylalanine, which is neutral and non-polar, at codon 2590 of the BRCA2 protein (p.Ser2590Phe). This missense change has been observed in individual(s) with personal or family history of breast and/or ovarian cancer (PMID: 30254663). Advanced modeling of protein sequence and biophysical properties (such as structural, functional, and spatial information, amino acid conservation, physicochemical variation, residue mobility, and thermodynamic stability) performed at Invitae indicates that this missense variant is not expected to disrupt BRCA2 protein function. In summary, the available evidence is currently insufficient to determine the role of this variant in disease. Therefore, it has been classified as a Variant of Uncertain Significance.

Department of Medical and Surgical Sciences, University of Bologna
Classification: Uncertain significance for Breast-ovarian cancer, familial, susceptibility to, 2. Last evaluated: 2023-09-01. Review status: no assertion criteria provided. Collection method: clinical testing. Allele origin: germline. Affected: yes. Not counted in ClinVar's aggregate classification.
Comment: BP4(Supporting) according to ACMG/AMP classification guidelines specified for BRCA1 & BRCA2 (Classification Criteria V1.0.0 2023-09-08) (PMID: 38160042)

Literature cited by the submitters: PubMed 30254663 (cited by Labcorp Genetics (formerly Invitae), Labcorp).